The following is an entry in ClinVar:

ClinVar aggregate classification (germline): Likely pathogenic. Review status: criteria provided, multiple submitters, no conflicts (2 of 4 stars). 2 submissions from 2 submitters: Likely pathogenic (2). Last evaluated 2026-06-16.

Conditions:
Inborn genetic diseases. Identifiers: MedGen C0950123, MeSH D030342.

Submissions (2):

Ambry Genetics
Classification: Likely pathogenic for Inborn genetic diseases. Last evaluated: 2026-06-16. Review status: criteria provided, single submitter. Criteria: Ambry Variant Classification Scheme 2023. Collection method: clinical testing. Allele origin: germline.
Comment: The c.4135C>G (p.Q1379E) alteration is located in exon 25 (coding exon 25) of the EP300 gene. This alteration results from a C to G substitution at nucleotide position 4135, causing the glutamine (Q) at amino acid position 1379 to be replaced by a glutamic acid (E). for EP300-related Rubinstein-Taybi syndrome; however, its clinical significance for EP300-related Menke-Hennekam syndrome is uncertain. The Genome Aggregation Database (gnomAD) data for this variant is unreliable due to technical and/or biological issues; therefore, population frequency estimates were not considered. This variant was reported in individuals with features consistent with EP300-related Rubinstein-Taybi syndrome; in at least one individual, it was determined to be de novo (external communication). This amino acid position is highly conserved in available vertebrate species. This alteration is predicted to be deleterious by in silico analysis. Based on the available evidence, this alteration is classified as likely pathogenic.

GeneDx
Classification: Likely pathogenic. Last evaluated: 2025-07-29. Review status: criteria provided, single submitter. Criteria: GeneDx Variant Classification Process June 2021. Collection method: clinical testing. Allele origin: germline. Affected: yes.
Comment: In silico analysis supports that this missense variant has a deleterious effect on protein structure/function; Has not been previously published as pathogenic or benign to our knowledge

NM_001429.4(EP300):c.4135C>G (p.Gln1379Glu)

Gene: EP300 (EP300 lysine acetyltransferase; plus strand). Cytogenetic location: 22q13.2.
Variant type: single nucleotide variant.
Coding change: c.4135C>G on transcript NM_001429.4 (MANE Select); coding-DNA position 4135, C replaced by G.
Protein change: p.Gln1379Glu; replaces glutamine 1379 with glutamic acid.
Molecular consequence: missense variant.
Genome position (GRCh38, 1-based): chr22:41,168,830, C>G. VCF-style: chr22-41168830-C-G. GRCh37 (hg19) VCF-style: chr22-41564834-C-G.
Other names: c.4057C>G, p.Gln1353Glu (NM_001362843.2); short protein forms Q1353E, Q1379E.
Identifiers: ClinVar variation 4689846 (VCV004689846.2).